The following is an entry in ClinVar:

NM_004706.4(ARHGEF1):c.2577C>T (p.Gly859=)

Gene: ARHGEF1 (Rho guanine nucleotide exchange factor 1; plus strand). Cytogenetic location: 19q13.2.
Variant type: single nucleotide variant.
Coding change: c.2577C>T on transcript NM_004706.4 (MANE Select); coding-DNA position 2577, C replaced by T.
Protein change: p.Gly859=; no amino-acid change (glycine 859 retained).
Molecular consequence: synonymous variant.
Genome position (GRCh38, 1-based): chr19:41,906,542, C>T. VCF-style: chr19-41906542-C-T. GRCh37 (hg19) VCF-style: chr19-42410694-C-T.
Other names: c.2478C>T, p.Gly826= (NM_198977.2); c.2622C>T, p.Gly874= (NM_199002.2).
Identifiers: ClinVar variation 1534243 (VCV001534243.9), dbSNP rs1449861382, ClinGen allele CA507694676.

ClinVar aggregate classification (germline): Likely benign. Review status: criteria provided, multiple submitters, no conflicts (2 of 4 stars). 2 submissions from 2 submitters: Likely benign (2). Last evaluated 2026-07-01.

Allele frequency attached by ClinVar (database versions not stated): gnomAD exomes 0.00001; TOPMed 0.00001.
gnomAD v4.1: 9 of 1,583,296 alleles (0.00057%); highest among the groups gnomAD compares: African/African-American, 0.0014%; no homozygotes.

Submissions (2):

CeGaT Center for Human Genetics Tuebingen
Classification: Likely benign. Last evaluated: 2026-07-01. Review status: criteria provided, single submitter. Criteria: CeGaT Center For Human Genetics Tuebingen Variant Classification Criteria Version 2. Collection method: clinical testing. Allele origin: germline. Affected: yes. Observed: 1 variant allele.
Comment: ARHGEF1: BP4, BP7

Labcorp Genetics (formerly Invitae), Labcorp
Classification: Likely benign. Last evaluated: 2023-01-31. Review status: criteria provided, single submitter. Criteria: Invitae Variant Classification Sherloc (09022015). Collection method: clinical testing. Allele origin: germline.